The following is an entry in ClinVar:

NM_000135.4(FANCA):c.3605A>G (p.Glu1202Gly)

Gene: FANCA (FA complementation group A; minus strand). Cytogenetic location: 16q24.3.
Variant type: single nucleotide variant.
Coding change: c.3605A>G on transcript NM_000135.4 (MANE Select); coding-DNA position 3605, A replaced by G.
Protein change: p.Glu1202Gly; replaces glutamic acid 1202 with glycine.
Molecular consequence: missense variant.
Genome position (GRCh38, 1-based): chr16:89,744,980, T>C on the plus strand (A>G on the coding strand, the complement: FANCA is on the minus strand). VCF-style: chr16-89744980-T-C. GRCh37 (hg19) VCF-style: chr16-89811388-T-C.
Other names: c.3605A>G, p.Glu1202Gly (NM_001286167.3); c.3605A>G (NM_000135.2); short protein forms E1202G.
Identifiers: ClinVar variation 1006385 (VCV001006385.7), dbSNP rs760330357, ClinGen allele CA8251086.

ClinVar aggregate classification (germline): Uncertain significance. Review status: criteria provided, multiple submitters, no conflicts (2 of 4 stars). 3 submissions from 3 submitters: Uncertain significance (2). 1 of the submissions does not count toward it. Last evaluated 2025-11-04.

Conditions:
Fanconi anemia (FA). Also called: Fanconi's anemia. Identifiers: Orphanet 84, MedGen C0015625, MeSH D005199, MONDO:0019391.

Allele frequency attached by ClinVar (database versions not stated): ExAC below 0.00001; gnomAD exomes below 0.00001; TOPMed 0.00001; gnomAD 0.00002.
gnomAD v4.1: 8 of 1,611,692 alleles (0.0005%); highest among the groups gnomAD compares: East Asian, 0.0022%; no homozygotes.

Submissions (3):

Labcorp Genetics (formerly Invitae), Labcorp
Classification: Uncertain significance for Fanconi anemia. Last evaluated: 2025-11-04. Review status: criteria provided, single submitter. Criteria: Invitae Variant Classification Sherloc (09022015). Collection method: clinical testing. Allele origin: germline.
Comment: This sequence change replaces glutamic acid, which is acidic and polar, with glycine, which is neutral and non-polar, at codon 1202 of the FANCA protein (p.Glu1202Gly). This variant is not present in population databases (gnomAD no frequency). This variant has not been reported in the literature in individuals affected with FANCA-related conditions. ClinVar contains an entry for this variant (Variation ID: 1006385). Invitae Evidence Modeling of protein sequence and biophysical properties (such as structural, functional, and spatial information, amino acid conservation, physicochemical variation, residue mobility, and thermodynamic stability) indicates that this missense variant is not expected to disrupt FANCA protein function with a negative predictive value of 95%. In summary, the available evidence is currently insufficient to determine the role of this variant in disease. Therefore, it has been classified as a Variant of Uncertain Significance.

Sema4
Classification: Uncertain significance for Fanconi anemia. Last evaluated: 2022-02-25. Review status: criteria provided, single submitter. Criteria: Sema4 Curation Guidelines. Collection method: curation. Allele origin: germline.
Comment: The FANCA c.3605A>G (p.E1202G) variant has not been reported in the literature to our knowledge. This variant is not reported in the population database Genome Aggregation Database (PMID: 32461654). The variant has been reported in ClinVar (Variation ID: 1006385). Functional studies have not been performed, and in silico predictions of the variant's effect on protein function are inconclusive. The evidence is insufficient to meet ACMG/AMP criteria for classifying the variant as benign or pathogenic. Thus, the clinical significance of this variant is currently uncertain.

Natera, Inc.
Classification: Uncertain significance for Fanconi anemia. Last evaluated: 2020-02-09. Review status: no assertion criteria provided. Collection method: clinical testing. Allele origin: germline. Not counted in ClinVar's aggregate classification.